The following is an entry in ClinVar:

ClinVar aggregate classification (germline): Uncertain significance. Review status: criteria provided, multiple submitters, no conflicts (2 of 4 stars). 2 submissions from 2 submitters: Uncertain significance (2). Last evaluated 2025-04-03.

Conditions:
Inborn genetic diseases. Identifiers: MedGen C0950123, MeSH D030342.
Glanzmann thrombasthenia. Also called: PLATELET GLYCOPROTEIN IIb-IIIa DEFICIENCY; BLEEDING DISORDER, PLATELET-TYPE, 2; THROMBASTHENIA OF GLANZMANN AND NAEGELI; Thrombasthenia; Glanzmann's thrombasthenia. Identifiers: Orphanet 849, MedGen C0040015, MONDO:0100326.

gnomAD v4.1: 3 of 1,581,062 alleles (0.00019%); highest among the groups gnomAD compares: East Asian, 0.0069%; no homozygotes.

Submissions (2):

Ambry Genetics
Classification: Uncertain significance for Inborn genetic diseases. Last evaluated: 2025-04-03. Review status: criteria provided, single submitter. Criteria: Ambry Variant Classification Scheme 2023. Collection method: clinical testing. Allele origin: germline.

Labcorp Genetics (formerly Invitae), Labcorp
Classification: Uncertain significance for Glanzmann thrombasthenia. Last evaluated: 2024-10-14. Review status: criteria provided, single submitter. Criteria: Invitae Variant Classification Sherloc (09022015). Collection method: clinical testing. Allele origin: germline.
Comment: This sequence change replaces methionine, which is neutral and non-polar, with isoleucine, which is neutral and non-polar, at codon 734 of the ITGA2B protein (p.Met734Ile). This variant is not present in population databases (gnomAD no frequency). This variant has not been reported in the literature in individuals affected with ITGA2B-related conditions. Invitae Evidence Modeling of protein sequence and biophysical properties (such as structural, functional, and spatial information, amino acid conservation, physicochemical variation, residue mobility, and thermodynamic stability) has been performed for this missense variant. However, the output from this modeling did not meet the statistical confidence thresholds required to predict the impact of this variant on ITGA2B protein function. In summary, the available evidence is currently insufficient to determine the role of this variant in disease. Therefore, it has been classified as a Variant of Uncertain Significance.

NM_000419.5(ITGA2B):c.2202G>A (p.Met734Ile)

Gene: ITGA2B (integrin subunit alpha 2b; minus strand). Cytogenetic location: 17q21.31.
Variant type: single nucleotide variant.
Coding change: c.2202G>A on transcript NM_000419.5 (MANE Select); coding-DNA position 2202, G replaced by A.
Protein change: p.Met734Ile; replaces methionine 734 with isoleucine.
Molecular consequence: missense variant.
Genome position (GRCh38, 1-based): chr17:44,377,074, C>T on the plus strand (G>A on the coding strand, the complement: ITGA2B is on the minus strand). VCF-style: chr17-44377074-C-T. GRCh37 (hg19) VCF-style: chr17-42454442-C-T.
Other names: short protein forms M734I.
Identifiers: ClinVar variation 3664253 (VCV003664253.3).
Genomic context (GRCh38, chr17:44,377,074, plus strand): 5'-TATCTGCAGCTGGAAGGACACAGACTCCCCAGCCTCTTCCAGATTCCCCACGCTCACCAA[C>T]ATCGCGATTCCTATCTGGGAGATGAGGAGGGCCAAGGTCACTGCCCAAGTGCCCCACTTA-3'
Protein context (NP_000410.2, residues 724-744): MKKNAQIGIA[Met734Ile]LVSVGNLEEA